The following is an entry in ClinVar:

NM_033100.4(CDHR1):c.913A>T (p.Thr305Ser)

Gene: CDHR1 (cadherin related family member 1; plus strand). Cytogenetic location: 10q23.1.
Variant type: single nucleotide variant.
Coding change: c.913A>T on transcript NM_033100.4 (MANE Select); coding-DNA position 913, A replaced by T.
Protein change: p.Thr305Ser; replaces threonine 305 with serine.
Molecular consequence: missense variant.
Genome position (GRCh38, 1-based): chr10:84,205,877, A>T. VCF-style: chr10-84205877-A-T. GRCh37 (hg19) VCF-style: chr10-85965633-A-T.
Other names: c.913A>T, p.Thr305Ser (NM_001171971.3); short protein forms T305S.
Identifiers: ClinVar variation 834615 (VCV000834615.9), dbSNP rs1842216453, ClinGen allele CA377373848.
Genomic context (GRCh38, chr10:84,205,877, plus strand): 5'-CCCTTGACAGGGAACGATGGAGCCTTTGAAATTAATGAGACATCTGGAGCCATCTCCATC[A>T]CTCAGAGCCCGGCCCAGCTCCAGAGAGAGGTGTATGAGCTGCATGTACAGGTACCCTCCC-3'
Protein context (NP_149091.1, residues 295-315): INETSGAISI[Thr305Ser]QSPAQLQREV

ClinVar aggregate classification (germline): Uncertain significance (1 of 4 stars; one submission).

Allele frequency attached by ClinVar (database versions not stated): gnomAD exomes below 0.00001.
gnomAD v4.1: 3 of 1,614,008 alleles (0.00019%); highest among the groups gnomAD compares: Non-Finnish European, 0.00025%; no homozygotes.

Submission:

Labcorp Genetics (formerly Invitae), Labcorp
Classification: Uncertain significance. Last evaluated: 2022-07-19. Review status: criteria provided, single submitter. Criteria: Invitae Variant Classification Sherloc (09022015). Collection method: clinical testing. Allele origin: germline.
Comment: This variant is not present in population databases (gnomAD no frequency). This sequence change replaces threonine, which is neutral and polar, with serine, which is neutral and polar, at codon 305 of the CDHR1 protein (p.Thr305Ser). This variant has not been reported in the literature in individuals affected with CDHR1-related conditions. ClinVar contains an entry for this variant (Variation ID: 834615). Advanced modeling of protein sequence and biophysical properties (such as structural, functional, and spatial information, amino acid conservation, physicochemical variation, residue mobility, and thermodynamic stability) performed at Invitae indicates that this missense variant is not expected to disrupt CDHR1 protein function. In summary, the available evidence is currently insufficient to determine the role of this variant in disease. Therefore, it has been classified as a Variant of Uncertain Significance.